The following is an entry in ClinVar:

NM_015909.4(NBAS):c.6529G>T (p.Val2177Phe)

Gene: NBAS (NBAS subunit of NRZ tethering complex; minus strand). Cytogenetic location: 2p24.3.
Variant type: single nucleotide variant.
Coding change: c.6529G>T on transcript NM_015909.4 (MANE Select); coding-DNA position 6529, G replaced by T.
Protein change: p.Val2177Phe; replaces valine 2177 with phenylalanine.
Molecular consequence: missense variant. On other transcripts: non-coding transcript variant (1).
Genome position (GRCh38, 1-based): chr2:15,190,307, C>A on the plus strand (G>T on the coding strand, the complement: NBAS is on the minus strand). VCF-style: chr2-15190307-C-A. GRCh37 (hg19) VCF-style: chr2-15330431-C-A.
Other names: c.6529G>T (NM_015909.2); short protein forms V2177F.
Identifiers: ClinVar variation 1389599 (VCV001389599.8), dbSNP rs758372631, ClinGen allele CA1534982.
Genomic context (GRCh38, chr2:15,190,307, plus strand): 5'-TTTATGTTAATACTTACACATATTCACTTTTCATAGGTGGCCAAGCTTGCAAAAGTAAAA[C>A]CAAGTGCTGAAATTCAGCCTCGTGGTGACTAGATTCCAGGAGTTCCATGAATAGACAGTA-3'
Protein context (NP_056993.2, residues 2167-2187): SHHEAEFQHL[Val2177Phe]LLLQAWPPMK

ClinVar aggregate classification (germline): Conflicting classifications of pathogenicity. Review status: criteria provided, conflicting classifications (1 of 4 stars). 3 submissions from 3 submitters: Uncertain significance (1); Likely benign (2). Last evaluated 2026-07-01.

Conditions:
Inborn genetic diseases. Identifiers: MedGen C0950123, MeSH D030342.

Allele frequency attached by ClinVar (database versions not stated): gnomAD 0.00001 and 0.00003; gnomAD exomes 0.00005 and 0.00009; ExAC 0.00007; TOPMed 0.00007.
gnomAD v4.1: 79 of 1,613,944 alleles (0.0049%); highest among the groups gnomAD compares: Middle Eastern, 0.083%; 1 homozygote.

Submissions (3):

CeGaT Center for Human Genetics Tuebingen
Classification: Likely benign. Last evaluated: 2026-07-01. Review status: criteria provided, single submitter. Criteria: CeGaT Center For Human Genetics Tuebingen Variant Classification Criteria Version 2. Collection method: clinical testing. Allele origin: germline. Affected: yes. Observed: 1 variant allele.
Comment: NBAS: BP4

Labcorp Genetics (formerly Invitae), Labcorp
Classification: Likely benign. Last evaluated: 2025-11-22. Review status: criteria provided, single submitter. Criteria: Invitae Variant Classification Sherloc (09022015). Collection method: clinical testing. Allele origin: germline.

Ambry Genetics
Classification: Uncertain significance for Inborn genetic diseases. Last evaluated: 2024-06-26. Review status: criteria provided, single submitter. Criteria: Ambry Variant Classification Scheme 2023. Collection method: clinical testing. Allele origin: germline.